The following is an entry in ClinVar:

NM_001004334.4(GPR179):c.4551G>T (p.Met1517Ile)

Gene: GPR179 (G protein-coupled receptor 179; minus strand). Cytogenetic location: 17q12.
Variant type: single nucleotide variant.
Coding change: c.4551G>T on transcript NM_001004334.4 (MANE Select); coding-DNA position 4551, G replaced by T.
Protein change: p.Met1517Ile; replaces methionine 1517 with isoleucine.
Molecular consequence: missense variant.
Genome position (GRCh38, 1-based): chr17:38,329,018, C>A on the plus strand (G>T on the coding strand, the complement: GPR179 is on the minus strand). VCF-style: chr17-38329018-C-A. GRCh37 (hg19) VCF-style: chr17-36484901-C-A.
Other names: c.4551G>T (NM_001004334.2); short protein forms M1517I.
Identifiers: ClinVar variation 1356789 (VCV001356789.9), dbSNP rs530494755, ClinGen allele CA290104081.

ClinVar aggregate classification (germline): Uncertain significance. Review status: criteria provided, multiple submitters, no conflicts (2 of 4 stars). 2 submissions from 2 submitters: Uncertain significance (2). Last evaluated 2025-04-12.

Conditions:
Inborn genetic diseases. Identifiers: MedGen C0950123, MeSH D030342.

Allele frequency attached by ClinVar (database versions not stated): gnomAD 0.00001; ExAC 0.00002; 1000 Genomes Project 30x 0.00016; 1000 Genomes Project 0.00020.

Submissions (2):

Ambry Genetics
Classification: Uncertain significance for Inborn genetic diseases. Last evaluated: 2025-04-12. Review status: criteria provided, single submitter. Criteria: Ambry Variant Classification Scheme 2023. Collection method: clinical testing. Allele origin: germline.

Labcorp Genetics (formerly Invitae), Labcorp
Classification: Uncertain significance. Last evaluated: 2020-12-26. Review status: criteria provided, single submitter. Criteria: Invitae Variant Classification Sherloc (09022015). Collection method: clinical testing. Allele origin: germline.
Comment: This sequence change replaces methionine with isoleucine at codon 1517 of the GPR179 protein (p.Met1517Ile). The methionine residue is weakly conserved and there is a small physicochemical difference between methionine and isoleucine. This variant is present in population databases (rs530494755, ExAC 0.01%). This variant has not been reported in the literature in individuals with GPR179-related conditions. Algorithms developed to predict the effect of missense changes on protein structure and function (SIFT, PolyPhen-2, Align-GVGD) all suggest that this variant is likely to be tolerated, but these predictions have not been confirmed by published functional studies and their clinical significance is uncertain. In summary, the available evidence is currently insufficient to determine the role of this variant in disease. Therefore, it has been classified as a Variant of Uncertain Significance.